The following is an entry in ClinVar:

NM_000388.4(CASR):c.1525G>A (p.Gly509Arg)

Gene: CASR (calcium sensing receptor; plus strand). Cytogenetic location: 3q21.1.
Variant type: single nucleotide variant.
Coding change: c.1525G>A on transcript NM_000388.4 (MANE Select); coding-DNA position 1525, G replaced by A.
Protein change: p.Gly509Arg; replaces glycine 509 with arginine.
Molecular consequence: missense variant.
Genome position (GRCh38, 1-based): chr3:122,275,959, G>A. VCF-style: chr3-122275959-G-A. GRCh37 (hg19) VCF-style: chr3-121994806-G-A.
Other names: c.1525G>A, p.Gly509Arg (NM_001178065.2); short protein forms G509R.
Identifiers: ClinVar variation 35778 (VCV000035778.16), dbSNP rs193922423, ClinGen allele CA213564.

ClinVar aggregate classification (germline): Pathogenic/Likely pathogenic. Review status: criteria provided, multiple submitters, no conflicts (2 of 4 stars). 5 submissions from 5 submitters: Pathogenic (4); Likely pathogenic (1). Last evaluated 2025-10-05.

Conditions:
Familial hypocalciuric hypercalcemia (FHH). Also called: Familial benign hypercalcemia. Identifiers: Orphanet 405, MedGen C1809471, MONDO:0018458.
Autosomal dominant hypocalcemia 1 (HYPOC1). Also called: HYPOCALCEMIA, FAMILIAL. Identifiers: MedGen C3715128, MONDO:0011013, OMIM 601198.
Epilepsy, idiopathic generalized, susceptibility to, 8. Identifiers: MedGen C2752062, MONDO:0013032, OMIM 612899.
Neonatal severe primary hyperparathyroidism. Identifiers: Orphanet 417, MedGen C1832615, MONDO:0009397, OMIM 239200.
Familial hypocalciuric hypercalcemia 1. Also called: Hypercalcemia, familial benign type 1. Identifiers: Orphanet 405, Orphanet 93372, MedGen C0342637, MONDO:0007791, OMIM 145980.

Allele frequency attached by ClinVar (database versions not stated): gnomAD exomes below 0.00001 and 0.00001; ExAC 0.00001.

Submissions (5):

Labcorp Genetics (formerly Invitae), Labcorp
Classification: Pathogenic for Familial hypocalciuric hypercalcemia; Autosomal dominant hypocalcemia 1. Last evaluated: 2025-10-05. Review status: criteria provided, single submitter. Criteria: Invitae Variant Classification Sherloc (09022015). Collection method: clinical testing. Allele origin: germline.
Comment: This sequence change replaces glycine, which is neutral and non-polar, with arginine, which is basic and polar, at codon 509 of the CASR protein (p.Gly509Arg). This variant is present in population databases (rs193922423, gnomAD 0.003%). This missense change has been observed in individual(s) with hypocalciuric hypercalcemia and/or neonatal severe hyperparathyroidism (PMID: 2476381, 17698911, 31672324, 32638038; internal data). In at least one individual the data is consistent with being in trans (on the opposite chromosome) from a pathogenic variant. It has also been observed to segregate with disease in related individuals. Invitae Evidence Modeling of clinical and family history, age, sex, and reported ancestry of multiple individuals with this CASR variant has been performed. This variant is expected to be pathogenic with a positive predictive value of at least 99%. This is a validated machine learning model that incorporates the clinical features of 646,172 individuals referred to our laboratory for CASR testing. ClinVar contains an entry for this variant (Variation ID: 35778). An algorithm developed to predict the effect of missense changes on protein structure and function (PolyPhen-2) suggests that this variant is likely to be disruptive. For these reasons, this variant has been classified as Pathogenic.

Women's Health and Genetics/Laboratory Corporation of America, LabCorp
Classification: Pathogenic for Familial hypocalciuric hypercalcemia. Last evaluated: 2024-05-29. Review status: criteria provided, single submitter. Criteria: LabCorp Variant Classification Summary - May 2015. Collection method: clinical testing. Allele origin: germline.
Comment: Variant summary: CASR c.1525G>A (p.Gly509Arg) results in a non-conservative amino acid change in the encoded protein sequence. Five of five in-silico tools predict a damaging effect of the variant on protein function. The variant allele was found at a frequency of 7.9e-06 in 251636 control chromosomes (gnomAD). c.1525G>A has been reported in the literature in multiple individuals affected with Familial Hypocalciuric Hypercalcemia (Nissen_2007, Christensen_2008). These data indicate that the variant is very likely to be associated with disease. To our knowledge, no experimental evidence demonstrating an impact on protein function has been reported. The following publications have been ascertained in the context of this evaluation (PMID: 17698911, 18410554). ClinVar contains an entry for this variant (Variation ID: 35778). Based on the evidence outlined above, the variant was classified as pathogenic.

Cardiovascular Genetics Laboratory, PathWest Laboratory Medicine WA - Fiona Stanley Hospital
Classification: Pathogenic for Familial hypocalciuric hypercalcemia 1. Last evaluated: 2023-11-21. Review status: criteria provided, single submitter. Criteria: ACMG Guidelines, 2015. Collection method: clinical testing. Allele origin: germline. Affected: yes.

Athena Diagnostics
Classification: Likely pathogenic. Last evaluated: 2020-09-29. Review status: criteria provided, single submitter. Criteria: Athena Diagnostics criteria. Collection method: clinical testing. Allele origin: unknown.
Comment: The frequency of this variant in the general population is consistent with pathogenicity. This variant has been identified in multiple unrelated individuals with clinical features associated with this gene. Assessment of experimental evidence suggests this variant results in abnormal protein function. Variant caused expression of only the immature form of the protein and abrogates the responsiveness of the receptor to calcium (PMID: 32638038). Computational tools predict that this variant is damaging.

Juno Genomics, Hangzhou Juno Genomics, Inc
Classification: Pathogenic for Epilepsy, idiopathic generalized, susceptibility to, 8; Neonatal severe primary hyperparathyroidism; Autosomal dominant hypocalcemia 1; Familial hypocalciuric hypercalcemia 1. Review status: criteria provided, single submitter. Criteria: ACMG Guidelines, 2015. Collection method: clinical testing. Allele origin: germline.
Comment: Absent from controls (or at extremely low frequency if recessive) in Genome Aggregation Database.;Missense variant in a gene that has a low rate of benign missense variation.;Well-established in vitro or in vivo functional studies supportive of a damaging effect on the gene or gene product.;The prevalence of the variant in affected individuals is significantly increased compared to the prevalence in controls.;Co-segregation with disease in multiple affected family members.

Literature cited by the submitters: PubMed 2476381 (cited by Labcorp Genetics (formerly Invitae), Labcorp); PubMed 17698911 (cited by 3 submitters); PubMed 31672324 (cited by Labcorp Genetics (formerly Invitae), Labcorp and Athena Diagnostics); PubMed 32638038 (cited by 3 submitters); PubMed 18410554 (cited by Women's Health and Genetics/Laboratory Corporation of America, LabCorp and Athena Diagnostics); PubMed 22192860 (cited by Athena Diagnostics); PubMed 27418061 (cited by Athena Diagnostics); PubMed 24763815 (cited by Athena Diagnostics).